The following is an entry in ClinVar:

NM_004371.4(COPA):c.1765G>A (p.Val589Ile)

Gene: COPA (coat protein complex I subunit alpha; minus strand). Cytogenetic location: 1q23.2.
Variant type: single nucleotide variant.
Coding change: c.1765G>A on transcript NM_004371.4 (MANE Select); coding-DNA position 1765, G replaced by A.
Protein change: p.Val589Ile; replaces valine 589 with isoleucine.
Molecular consequence: missense variant.
Genome position (GRCh38, 1-based): chr1:160,299,167, C>T on the plus strand (G>A on the coding strand, the complement: COPA is on the minus strand). VCF-style: chr1-160299167-C-T. GRCh37 (hg19) VCF-style: chr1-160268957-C-T.
Other names: c.1792G>A, p.Val598Ile (NM_001098398.2); short protein forms V589I, V598I.
Identifiers: ClinVar variation 1979408 (VCV001979408.4), dbSNP rs2525368619, ClinGen allele CA343280881.
Genomic context (GRCh38, chr1:160,299,167, plus strand): 5'-CATATTTTCTGTTGATCAGGGCCAGCTTGAATTTGAACTCAGTGGGATCAATGGTGAGTA[C>T]CCGGGGACGACACTCCCTGTCTAGGCAGTATACATTGTTGCCCTTCACCCGTGTGACATA-3'
Protein context (NP_004362.2, residues 579-599): YCLDRECRPR[Val589Ile]LTIDPTEFKF

ClinVar aggregate classification (germline): Uncertain significance (1 of 4 stars; one submission).

Conditions:
Autoimmune interstitial lung disease-arthritis syndrome. Also called: Autoinflammation and autoimmunity, systemic, with immune dysregulation. Identifiers: Orphanet 444092, MedGen C5975714, MONDO:0014629.

Submission:

Labcorp Genetics (formerly Invitae), Labcorp
Classification: Uncertain significance for Autoimmune interstitial lung disease-arthritis syndrome. Last evaluated: 2022-10-22. Review status: criteria provided, single submitter. Criteria: Invitae Variant Classification Sherloc (09022015). Collection method: clinical testing. Allele origin: germline.
Comment: In summary, the available evidence is currently insufficient to determine the role of this variant in disease. Therefore, it has been classified as a Variant of Uncertain Significance. Advanced modeling of protein sequence and biophysical properties (such as structural, functional, and spatial information, amino acid conservation, physicochemical variation, residue mobility, and thermodynamic stability) performed at Invitae indicates that this missense variant is not expected to disrupt COPA protein function. This variant has not been reported in the literature in individuals affected with COPA-related conditions. This variant is not present in population databases (gnomAD no frequency). This sequence change replaces valine, which is neutral and non-polar, with isoleucine, which is neutral and non-polar, at codon 589 of the COPA protein (p.Val589Ile).